The following is an entry in ClinVar:

ClinVar aggregate classification (germline): Uncertain significance (1 of 4 stars; one submission).

Conditions:
Schneckenbecken dysplasia. Identifiers: Orphanet 3144, MedGen C0432194, MONDO:0010013, OMIM 269250.

gnomAD v4.1: 189 of 1,613,882 alleles (0.012%); highest among the groups gnomAD compares: Non-Finnish European, 0.0061%; no homozygotes.

Submission:

Labcorp Genetics (formerly Invitae), Labcorp
Classification: Uncertain significance for Schneckenbecken dysplasia. Last evaluated: 2024-06-26. Review status: criteria provided, single submitter. Criteria: Invitae Variant Classification Sherloc (09022015). Collection method: clinical testing. Allele origin: germline.
Comment: This sequence change replaces serine, which is neutral and polar, with threonine, which is neutral and polar, at codon 71 of the SLC35D1 protein (p.Ser71Thr). This variant is present in population databases (rs201294394, gnomAD 0.2%). This variant has not been reported in the literature in individuals affected with SLC35D1-related conditions. Advanced modeling of protein sequence and biophysical properties (such as structural, functional, and spatial information, amino acid conservation, physicochemical variation, residue mobility, and thermodynamic stability) performed at Invitae indicates that this missense variant is expected to disrupt SLC35D1 protein function with a positive predictive value of 80%. In summary, the available evidence is currently insufficient to determine the role of this variant in disease. Therefore, it has been classified as a Variant of Uncertain Significance.

NM_015139.3(SLC35D1):c.211T>A (p.Ser71Thr)

Gene: SLC35D1 (solute carrier family 35 member D1; minus strand). Cytogenetic location: 1p31.3.
Variant type: single nucleotide variant.
Coding change: c.211T>A on transcript NM_015139.3 (MANE Select); coding-DNA position 211, T replaced by A.
Protein change: p.Ser71Thr; replaces serine 71 with threonine.
Molecular consequence: missense variant.
Genome position (GRCh38, 1-based): chr1:67,052,982, A>T on the plus strand (T>A on the coding strand, the complement: SLC35D1 is on the minus strand). VCF-style: chr1-67052982-A-T. GRCh37 (hg19) VCF-style: chr1-67518665-A-T.
Other names: short protein forms S71T.
Identifiers: ClinVar variation 3709006 (VCV003709006.2).